The following is an entry in ClinVar:

ClinVar aggregate classification (germline): Pathogenic (1 of 4 stars; one submission).

Allele frequency attached by ClinVar (database versions not stated): TOPMed below 0.00001; gnomAD 0.00001; gnomAD exomes 0.00001; ESP Exome Variant Server 0.00008.
gnomAD v4.1: 5 of 1,613,822 alleles (0.00031%); highest among the groups gnomAD compares: African/African-American, 0.0027%; no homozygotes.

Submission:

Labcorp Genetics (formerly Invitae), Labcorp
Classification: Pathogenic. Last evaluated: 2025-08-17. Review status: criteria provided, single submitter. Criteria: Invitae Variant Classification Sherloc (09022015). Collection method: clinical testing. Allele origin: germline.
Comment: This sequence change creates a premature translational stop signal (p.Trp86*) in the SAR1B gene. It is expected to result in an absent or disrupted protein product. Loss-of-function variants in SAR1B are known to be pathogenic (PMID: 12692552, 17945526). This variant is not present in population databases (gnomAD no frequency). This variant has not been reported in the literature in individuals affected with SAR1B-related conditions. ClinVar contains an entry for this variant (Variation ID: 1424248). Algorithms developed to predict the effect of sequence changes on RNA splicing suggest that this variant may disrupt the consensus splice site. For these reasons, this variant has been classified as Pathogenic.

Literature cited by the submitters: PubMed 12692552; PubMed 17945526.

NM_016103.4(SAR1B):c.257G>A (p.Trp86Ter)

Gene: SAR1B (secretion associated Ras related GTPase 1B; minus strand). Cytogenetic location: 5q31.1.
Variant type: single nucleotide variant.
Coding change: c.257G>A on transcript NM_016103.4 (MANE Select); coding-DNA position 257, G replaced by A.
Protein change: p.Trp86Ter; replaces tryptophan 86 with a stop codon.
Molecular consequence: nonsense.
Genome position (GRCh38, 1-based): chr5:134,609,662, C>T on the plus strand (G>A on the coding strand, the complement: SAR1B is on the minus strand). VCF-style: chr5-134609662-C-T. GRCh37 (hg19) VCF-style: chr5-133945352-C-T.
Other names: c.257G>A, p.Trp86Ter (NM_001033503.3); short protein forms W86*.
Identifiers: ClinVar variation 1424248 (VCV001424248.6), dbSNP rs373135041, ClinGen allele CA127967413.